The following is an entry in ClinVar:

ClinVar aggregate classification (germline): Uncertain significance (1 of 4 stars; one submission).

Conditions:
Atrioventricular septal defect 5 (AVSD5). Identifiers: MedGen C3280939, MONDO:0013769, OMIM 614474.

Allele frequency attached by ClinVar (database versions not stated): gnomAD exomes 0.00001.
gnomAD v4.1: 5 of 1,533,698 alleles (0.00033%); highest among the groups gnomAD compares: Non-Finnish European, 0.00035%; no homozygotes.

Submission:

Labcorp Genetics (formerly Invitae), Labcorp
Classification: Uncertain significance for Atrioventricular septal defect 5. Last evaluated: 2019-02-12. Review status: criteria provided, single submitter. Criteria: Invitae Variant Classification Sherloc (09022015). Collection method: clinical testing. Allele origin: germline.
Comment: This sequence change replaces proline with alanine at codon 350 of the GATA6 protein (p.Pro350Ala). The proline residue is moderately conserved and there is a small physicochemical difference between proline and alanine. The frequency data for this variant in the population databases is considered unreliable, as metrics indicate insufficient coverage at this position in the ExAC database. This variant has not been reported in the literature in individuals with GATA6-related conditions. Algorithms developed to predict the effect of missense changes on protein structure and function (SIFT, PolyPhen-2, Align-GVGD) all suggest that this variant is likely to be tolerated, but these predictions have not been confirmed by published functional studies and their clinical significance is uncertain. In summary, the available evidence is currently insufficient to determine the role of this variant in disease. Therefore, it has been classified as a Variant of Uncertain Significance.

NM_005257.6(GATA6):c.1048C>G (p.Pro350Ala)

Gene: GATA6 (GATA binding protein 6; plus strand). Cytogenetic location: 18q11.2.
Variant type: single nucleotide variant.
Coding change: c.1048C>G on transcript NM_005257.6 (MANE Select); coding-DNA position 1048, C replaced by G.
Protein change: p.Pro350Ala; replaces proline 350 with alanine.
Molecular consequence: missense variant.
Genome position (GRCh38, 1-based): chr18:22,172,192, C>G. VCF-style: chr18-22172192-C-G. GRCh37 (hg19) VCF-style: chr18-19752153-C-G.
Other names: short protein forms P350A.
Identifiers: ClinVar variation 851717 (VCV000851717.9), dbSNP rs964471147, ClinGen allele CA401801696.